The following is an entry in ClinVar:

NM_032043.3(BRIP1):c.2243A>G (p.Tyr748Cys)

Gene: BRIP1 (BRCA1 interacting DNA helicase 1; minus strand). Cytogenetic location: 17q23.2.
Variant type: single nucleotide variant.
Coding change: c.2243A>G on transcript NM_032043.3 (MANE Select); coding-DNA position 2243, A replaced by G.
Protein change: p.Tyr748Cys; replaces tyrosine 748 with cysteine.
Molecular consequence: missense variant.
Genome position (GRCh38, 1-based): chr17:61,744,446, T>C on the plus strand (A>G on the coding strand, the complement: BRIP1 is on the minus strand). VCF-style: chr17-61744446-T-C. GRCh37 (hg19) VCF-style: chr17-59821807-T-C.
Other names: c.2243A>G (NM_032043.2); short protein forms Y748C.
Identifiers: ClinVar variation 1697628 (VCV001697628.9), dbSNP rs2144695357, ClinGen allele CA400482852.

ClinVar aggregate classification (germline): Uncertain significance. Review status: criteria provided, multiple submitters, no conflicts (2 of 4 stars). 2 submissions from 2 submitters: Uncertain significance (2). Last evaluated 2025-03-04.

Conditions:
Hereditary cancer-predisposing syndrome. Also called: Hereditary neoplastic syndrome; Tumor predisposition; Neoplastic Syndromes, Hereditary; Hereditary Cancer Syndrome. Identifiers: Orphanet 140162, MedGen C0027672, MeSH D009386, MONDO:0015356.

Allele frequency attached by ClinVar (database versions not stated): gnomAD exomes below 0.00001.
gnomAD v4.1: 1 of 1,613,928 alleles (0.000062%); highest among the groups gnomAD compares: Non-Finnish European, 0.000085%; no homozygotes.

Submissions (2):

Center for Genomic Medicine, Rigshospitalet, Copenhagen University Hospital
Classification: Uncertain significance. Last evaluated: 2025-03-04. Review status: criteria provided, single submitter. Criteria: ACMG Guidelines, 2015. Collection method: clinical testing. Allele origin: germline.

Ambry Genetics
Classification: Uncertain significance for Hereditary cancer-predisposing syndrome. Last evaluated: 2021-12-05. Review status: criteria provided, single submitter. Criteria: Ambry Variant Classification Scheme 2023. Collection method: clinical testing. Allele origin: germline.
Comment: The p.Y748C variant (also known as c.2243A>G), located in coding exon 14 of the BRIP1 gene, results from an A to G substitution at nucleotide position 2243. The tyrosine at codon 748 is replaced by cysteine, an amino acid with highly dissimilar properties. This amino acid position is conserved. In addition, this alteration is predicted to be tolerated by in silico analysis. Since supporting evidence is limited at this time, the clinical significance of this alteration remains unclear.